The following is an entry in ClinVar:

NM_000477.7(ALB):c.1769C>T (p.Thr590Ile)

Gene: ALB (albumin; plus strand). Cytogenetic location: 4q13.3.
Variant type: single nucleotide variant.
Coding change: c.1769C>T on transcript NM_000477.7 (MANE Select); coding-DNA position 1769, C replaced by T.
Protein change: p.Thr590Ile; replaces threonine 590 with isoleucine.
Molecular consequence: missense variant.
Genome position (GRCh38, 1-based): chr4:73,419,623, C>T. VCF-style: chr4-73419623-C-T. GRCh37 (hg19) VCF-style: chr4-74285340-C-T.
Other names: c.1769C>T (NM_000477.5); short protein forms T590I.
Identifiers: ClinVar variation 1508846 (VCV001508846.7), dbSNP rs1292482317, ClinGen allele CA357246664.

ClinVar aggregate classification (germline): Uncertain significance. Review status: criteria provided, multiple submitters, no conflicts (2 of 4 stars). 2 submissions from 2 submitters: Uncertain significance (2). Last evaluated 2025-05-03.

Conditions:
Inborn genetic diseases. Identifiers: MedGen C0950123, MeSH D030342.

Allele frequency attached by ClinVar (database versions not stated): gnomAD exomes below 0.00001.

Submissions (2):

Ambry Genetics
Classification: Uncertain significance for Inborn genetic diseases. Last evaluated: 2025-05-03. Review status: criteria provided, single submitter. Criteria: Ambry Variant Classification Scheme 2023. Collection method: clinical testing. Allele origin: germline.

Labcorp Genetics (formerly Invitae), Labcorp
Classification: Uncertain significance. Last evaluated: 2023-10-03. Review status: criteria provided, single submitter. Criteria: Invitae Variant Classification Sherloc (09022015). Collection method: clinical testing. Allele origin: germline.
Comment: This sequence change replaces threonine, which is neutral and polar, with isoleucine, which is neutral and non-polar, at codon 590 of the ALB protein (p.Thr590Ile). This variant is not present in population databases (gnomAD no frequency). This variant has not been reported in the literature in individuals affected with ALB-related conditions. ClinVar contains an entry for this variant (Variation ID: 1508846). Advanced modeling of protein sequence and biophysical properties (such as structural, functional, and spatial information, amino acid conservation, physicochemical variation, residue mobility, and thermodynamic stability) performed at Invitae indicates that this missense variant is not expected to disrupt ALB protein function. In summary, the available evidence is currently insufficient to determine the role of this variant in disease. Therefore, it has been classified as a Variant of Uncertain Significance.